The following is an entry in ClinVar:

NM_000384.3(APOB):c.1395C>T (p.Asp465=)

Gene: APOB (apolipoprotein B; minus strand). Cytogenetic location: 2p24.1.
Variant type: single nucleotide variant.
Coding change: c.1395C>T on transcript NM_000384.3 (MANE Select); coding-DNA position 1395, C replaced by T.
Protein change: p.Asp465=; no amino-acid change (aspartic acid 465 retained).
Molecular consequence: synonymous variant.
Genome position (GRCh38, 1-based): chr2:21,029,973, G>A on the plus strand (C>T on the coding strand, the complement: APOB is on the minus strand). VCF-style: chr2-21029973-G-A. GRCh37 (hg19) VCF-style: chr2-21252845-G-A.
Identifiers: ClinVar variation 508713 (VCV000508713.6), dbSNP rs757609661, ClinGen allele CA053516.
Genomic context (GRCh38, chr2:21,029,973, plus strand): 5'-GGTGTAATCTTCATCCCCAGTGCAGTCATCTTGAATCTGTTCCATCAGGTAATTAGCAAT[G>A]TCCAGCAGCTCCTGGGTCCCTGTAGGGTTTGTCTTATGATAGCTACAGAATAAGAGAAGA-3'
Protein context (NP_000375.3, residues 455-475): TNPTGTQELL[Asp465=]IANYLMEQIQ

ClinVar aggregate classification (germline): Benign/Likely benign. Review status: criteria provided, multiple submitters, no conflicts (2 of 4 stars). 2 submissions from 2 submitters: Benign (1); Likely benign (1). Last evaluated 2025-07-03.

Conditions:
Familial hypobetalipoproteinemia 1. Also called: Hypobetalipoproteinemia, normotriglyceridemic; Acanthocytosis with hypobetalipoproteinemia; APOB-Related Familial Hypobetalipoproteinemia. Identifiers: MedGen C4551990, MONDO:0014252, OMIM 615558.
Hypercholesterolemia, autosomal dominant, type B (FHCL2). Also called: Familial hypercholesterolemia 2; APOB-Related Familial Hypercholesterolemia, Autosomal Dominant; HYPERCHOLESTEROLEMIA, FAMILIAL, DUE TO LIGAND-DEFECTIVE APOLIPOPROTEIN B; Familial Hypercholesterolemia Type B; APOLIPOPROTEIN B-100, FAMILIAL DEFECTIVE; APOLIPOPROTEIN B-100, FAMILIAL LIGAND-DEFECTIVE. Identifiers: MedGen C1704417, MONDO:0007751, OMIM 144010.

Allele frequency attached by ClinVar (database versions not stated): gnomAD exomes below 0.00001 and 0.00001; ExAC 0.00001; gnomAD 0.00001; TOPMed 0.00002.
gnomAD v4.1: 7 of 1,613,850 alleles (0.00043%); highest among the groups gnomAD compares: African/African-American, 0.0067%; no homozygotes.

Submissions (2):

Labcorp Genetics (formerly Invitae), Labcorp
Classification: Benign for Familial hypobetalipoproteinemia 1; Hypercholesterolemia, autosomal dominant, type B. Last evaluated: 2025-07-03. Review status: criteria provided, single submitter. Criteria: Invitae Variant Classification Sherloc (09022015). Collection method: clinical testing. Allele origin: germline.

GeneDx
Classification: Likely benign. Last evaluated: 2017-04-06. Review status: criteria provided, single submitter. Criteria: GeneDx Variant Classification (06012015). Collection method: clinical testing. Allele origin: germline. Affected: yes.
Comment: This variant is considered likely benign or benign based on one or more of the following criteria: it is a conservative change, it occurs at a poorly conserved position in the protein, it is predicted to be benign by multiple in silico algorithms, and/or has population frequency not consistent with disease.